The following is an entry in ClinVar:

NM_006440.5(TXNRD2):c.250G>A (p.Gly84Ser)

Gene: TXNRD2 (thioredoxin reductase 2; minus strand). Cytogenetic location: 22q11.21.
Variant type: single nucleotide variant.
Coding change: c.250G>A on transcript NM_006440.5 (MANE Select); coding-DNA position 250, G replaced by A.
Protein change: p.Gly84Ser; replaces glycine 84 with serine.
Molecular consequence: missense variant. On other transcripts: 5 prime UTR variant (1), non-coding transcript variant (1).
Genome position (GRCh38, 1-based): chr22:19,918,984, C>T on the plus strand (G>A on the coding strand, the complement: TXNRD2 is on the minus strand). VCF-style: chr22-19918984-C-T. GRCh37 (hg19) VCF-style: chr22-19906507-C-T.
Other names: c.250G>A, p.Gly84Ser (NM_001282512.3); c.247G>A, p.Gly83Ser (NM_001352300.2); c.160G>A, p.Gly54Ser (NM_001352301.2); c.-39G>A (NM_001352302.2); c.154G>A, p.Gly52Ser (NM_001352303.2); short protein forms G83S, G52S, G54S, G84S.
Identifiers: ClinVar variation 2497324 (VCV002497324.2), dbSNP rs780972706, ClinGen allele CA10104277.

ClinVar aggregate classification (germline): Uncertain significance (1 of 4 stars; one submission).

Conditions:
Cardiovascular phenotype. Identifiers: MedGen CN230736.

Allele frequency attached by ClinVar (database versions not stated): gnomAD exomes below 0.00001; TOPMed below 0.00001; ExAC 0.00001.
gnomAD v4.1: 6 of 1,611,196 alleles (0.00037%); highest among the groups gnomAD compares: South Asian, 0.0022%; no homozygotes.

Submission:

Ambry Genetics
Classification: Uncertain significance for Cardiovascular phenotype. Last evaluated: 2022-11-07. Review status: criteria provided, single submitter. Criteria: Ambry Variant Classification Scheme 2023. Collection method: clinical testing. Allele origin: germline.
Comment: The p.G84S variant (also known as c.250G>A), located in coding exon 4 of the TXNRD2 gene, results from a G to A substitution at nucleotide position 250. The glycine at codon 84 is replaced by serine, an amino acid with similar properties. This amino acid position is conserved. In addition, this alteration is predicted to be deleterious by in silico analysis. Since supporting evidence is limited at this time, the clinical significance of this alteration remains unclear.